The following is an entry in ClinVar:

ClinVar aggregate classification (germline): Likely benign (1 of 4 stars; one submission).

gnomAD v4.1: 66 of 1,612,768 alleles (0.0041%); highest among the groups gnomAD compares: East Asian, 0.1%; no homozygotes.

Submission:

Mayo Clinic Laboratories, Mayo Clinic
Classification: Likely benign. Last evaluated: 2025-02-04. Review status: criteria provided, single submitter. Criteria: ACMG Guidelines, 2015. Collection method: clinical testing. Allele origin: germline. Observed: 1 variant allele.
Comment: BS1, BP4, BP7

NM_002226.5(JAG2):c.728-4G>A

Gene: JAG2 (jagged canonical Notch ligand 2; minus strand). Cytogenetic location: 14q32.33.
Variant type: single nucleotide variant.
Coding change: c.728-4G>A on transcript NM_002226.5 (MANE Select); 4 bases into the intron before coding-DNA position 728, G replaced by A.
Molecular consequence: intron variant.
Genome position (GRCh38, 1-based): chr14:105,155,626, C>T on the plus strand (G>A on the coding strand, the complement: JAG2 is on the minus strand). VCF-style: chr14-105155626-C-T. GRCh37 (hg19) VCF-style: chr14-105621963-C-T.
Other names: p.?; c.728-4G>A (NM_145159.3).
Identifiers: ClinVar variation 4683952 (VCV004683952.1).
Genomic context (GRCh38, chr14:105,155,626, plus strand): 5'-ACTCCCCAGGCACGGTGCATCCCCCGTGGAGCAAATTACACCCTTGTTTACACACAGCTG[C>T]GAACAGAGAGGAGCGAGAGGCACAGCTGCAGCCAGCCTGGCCGCAAGGCCTGTGCCCGGG-3'